The following is an entry in ClinVar:

ClinVar aggregate classification (germline): Uncertain significance (1 of 4 stars; one submission).

gnomAD v4.1: 1 of 1,606,108 alleles (0.000062%); highest among the groups gnomAD compares: Non-Finnish European, 0.000085%; no homozygotes.

Submission:

Women's Health and Genetics/Laboratory Corporation of America, LabCorp
Classification: Uncertain significance. Last evaluated: 2025-02-06. Review status: criteria provided, single submitter. Criteria: LabCorp Variant Classification Summary - May 2015. Collection method: clinical testing. Allele origin: germline.
Comment: Variant summary: MYT1L c.3448G>C (p.Val1150Leu) results in a conservative amino acid change in the encoded protein sequence. Three of five in-silico tools predict a damaging effect of the variant on protein function. The variant was absent in 238510 control chromosomes. The available data on variant occurrences in the general population are insufficient to allow any conclusion about variant significance. To our knowledge, no occurrence of c.3448G>C in individuals affected with Mental Retardation, Autosomal Dominant 39 and no experimental evidence demonstrating its impact on protein function have been reported. No submitters have cited clinical-significance assessments for this variant to ClinVar. Based on the evidence outlined above, the variant was classified as uncertain significance.

NM_001303052.2(MYT1L):c.3454G>C (p.Val1152Leu)

Gene: MYT1L (myelin transcription factor 1 like; minus strand). Cytogenetic location: 2p25.3.
Variant type: single nucleotide variant.
Coding change: c.3454G>C on transcript NM_001303052.2 (MANE Select); coding-DNA position 3454, G replaced by C.
Protein change: p.Val1152Leu; replaces valine 1152 with leucine.
Molecular consequence: missense variant. On other transcripts: 3 prime UTR variant (2), intron variant (2).
Genome position (GRCh38, 1-based): chr2:1,791,974, C>G on the plus strand (G>C on the coding strand, the complement: MYT1L is on the minus strand). VCF-style: chr2-1791974-C-G. GRCh37 (hg19) VCF-style: chr2-1795746-C-G.
Other names: c.3454G>C, p.Val1152Leu (NM_001329844.2, NM_001329845.1); c.3448G>C, p.Val1150Leu (NM_001329847.2, NM_001329848.1, NM_015025.4); c.*335G>C (NM_001329851.3, NM_001329852.3); c.3420+347G>C (NM_001329849.3); c.3414+347G>C (NM_001329846.3); short protein forms V1150L, V1152L.
Identifiers: ClinVar variation 3768702 (VCV003768702.1).